The following is an entry in ClinVar:

NM_000245.4(MET):c.628C>A (p.Pro210Thr)

Gene: MET (MET proto-oncogene, receptor tyrosine kinase; plus strand). Cytogenetic location: 7q31.2.
Variant type: single nucleotide variant.
Coding change: c.628C>A on transcript NM_000245.4 (MANE Select); coding-DNA position 628, C replaced by A.
Protein change: p.Pro210Thr; replaces proline 210 with threonine.
Molecular consequence: missense variant. On other transcripts: intron variant (1).
Genome position (GRCh38, 1-based): chr7:116,699,712, C>A. VCF-style: chr7-116699712-C-A. GRCh37 (hg19) VCF-style: chr7-116339766-C-A.
Other names: c.628C>A, p.Pro210Thr (NM_001127500.3, NM_001324401.3); c.-91+27135C>A (NM_001324402.2); c.628C>A (NM_001127500.1); short protein forms P210T.
Identifiers: ClinVar variation 1051482 (VCV001051482.13), dbSNP rs983457211, ClinGen allele CA368969495.

ClinVar aggregate classification (germline): Conflicting classifications of pathogenicity. Review status: criteria provided, conflicting classifications (1 of 4 stars). 2 submissions from 2 submitters: Uncertain significance (1); Likely benign (1). Last evaluated 2026-06-05.

Conditions:
Renal cell carcinoma. Identifiers: Orphanet 217071, MedGen C0007134, MeSH D002292, MONDO:0005086, HP:0005584.
Hereditary cancer-predisposing syndrome. Also called: Hereditary neoplastic syndrome; Neoplastic Syndromes, Hereditary; Tumor predisposition; Hereditary Cancer Syndrome. Identifiers: Orphanet 140162, MedGen C0027672, MeSH D009386, MONDO:0015356.

Submissions (2):

Ambry Genetics
Classification: Likely benign for Hereditary cancer-predisposing syndrome. Last evaluated: 2026-06-05. Review status: criteria provided, single submitter. Criteria: Ambry Variant Classification Scheme 2023. Collection method: clinical testing. Allele origin: germline.

Labcorp Genetics (formerly Invitae), Labcorp
Classification: Uncertain significance for Renal cell carcinoma. Last evaluated: 2020-01-29. Review status: criteria provided, single submitter. Criteria: Invitae Variant Classification Sherloc (09022015). Collection method: clinical testing. Allele origin: germline.
Comment: This sequence change replaces proline with threonine at codon 210 of the MET protein (p.Pro210Thr). The proline residue is weakly conserved and there is a small physicochemical difference between proline and threonine. This variant is not present in population databases (ExAC no frequency). In summary, the available evidence is currently insufficient to determine the role of this variant in disease. Therefore, it has been classified as a Variant of Uncertain Significance. Algorithms developed to predict the effect of missense changes on protein structure and function (SIFT, PolyPhen-2, Align-GVGD) all suggest that this variant is likely to be tolerated, but these predictions have not been confirmed by published functional studies and their clinical significance is uncertain. This variant has not been reported in the literature in individuals with MET-related conditions.